The following is an entry in ClinVar:

ClinVar aggregate classification (germline): Likely pathogenic (1 of 4 stars; one submission).

Submission:

GeneDx
Classification: Likely pathogenic. Last evaluated: 2019-05-02. Review status: criteria provided, single submitter. Criteria: GeneDx Variant Classification Process June 2021. Collection method: clinical testing. Allele origin: germline. Affected: yes.
Comment: Nonsense variant in the C-terminus predicted to result in protein truncation, as the last 142 amino acids are lost, and other loss-of-function variants have been reported downstream in the Human Gene Mutation Database (Stenson et al., 2014); Published functional studies demonstrate the variant escapes nonsense-mediated decay, but does not lead to protein expression; studies performed using patient cells rather than an independent cell line (Wieland et al., 2008; Makarov et al., 2010); Not observed in large population cohorts (Lek et al., 2016); This variant is associated with the following publications: (PMID: 20565770, 18043713, 17941886)

NM_004429.5(EFNB1):c.614_615del (p.Asp204_Ser205insTer)

Gene: EFNB1 (ephrin B1; plus strand). Cytogenetic location: Xq13.1.
Variant type: Microsatellite.
Coding change: c.614_615del on transcript NM_004429.5 (MANE Select); coding-DNA positions 614 to 615, 2 bases deleted (CT; older notation c.614_615delCT).
Protein change: p.Asp204_Ser205insTer.
Molecular consequence: nonsense.
Genome position (GRCh38, 1-based): chrX:68,840,074-68,840,075, CT deleted; deleting any 2 consecutive bases within chrX:68,840,072-68,840,075 gives the same sequence; the c. name uses the placement nearest the transcript's 3' end. VCF-style (leftmost placement, unchanged base first): chrX-68840071-ACT-A. GRCh37 (hg19) VCF-style: chrX-68059914-ACT-A.
Identifiers: ClinVar variation 1218227 (VCV001218227.3), dbSNP rs2147976924, ClinGen allele CA1139532310.